The following is an entry in ClinVar:

ClinVar aggregate classification (germline): Uncertain significance (1 of 4 stars; one submission).

Conditions:
Agammaglobulinemia 3, autosomal recessive (AGM3). Also called: AGAMMAGLOBULINEMIA 3; AGAMMAGLOBULINEMIA, AUTOSOMAL RECESSIVE, DUE TO CD79A DEFECT. Identifiers: MedGen C3150751, MONDO:0013288, OMIM 613501.

Submission:

Labcorp Genetics (formerly Invitae), Labcorp
Classification: Uncertain significance for Agammaglobulinemia 3, autosomal recessive. Last evaluated: 2022-08-19. Review status: criteria provided, single submitter. Criteria: Invitae Variant Classification Sherloc (09022015). Collection method: clinical testing. Allele origin: germline.
Comment: This sequence change falls in intron 3 of the CD79A gene. It does not directly change the encoded amino acid sequence of the CD79A protein. It affects a nucleotide within the consensus splice site. This variant is not present in population databases (gnomAD no frequency). This variant has not been reported in the literature in individuals affected with CD79A-related conditions. Variants that disrupt the consensus splice site are a relatively common cause of aberrant splicing (PMID: 17576681, 9536098). Algorithms developed to predict the effect of sequence changes on RNA splicing suggest that this variant is not likely to affect RNA splicing. In summary, the available evidence is currently insufficient to determine the role of this variant in disease. Therefore, it has been classified as a Variant of Uncertain Significance.

Literature cited by the submitters: PubMed 17576681; PubMed 9536098.

NM_001783.4(CD79A):c.498+6C>A

Genes: CD79A (CD79a molecule; plus strand), RPS19-CD79A (RPS19-CD79A readthrough; plus strand). Cytogenetic location: 19q13.2.
Variant type: single nucleotide variant.
Coding change: c.498+6C>A on transcript NM_001783.4 (MANE Select); 6 bases into the intron after coding-DNA position 498, C replaced by A.
Molecular consequence: intron variant.
Genome position (GRCh38, 1-based): chr19:41,879,659, C>A. VCF-style: chr19-41879659-C-A. GRCh37 (hg19) VCF-style: chr19-42383729-C-A.
Other names: c.384+6C>A (NM_021601.4).
Identifiers: ClinVar variation 2133607 (VCV002133607.4), dbSNP rs1487832415, ClinGen allele CA2580097361.
Genomic context (GRCh38, chr19:41,879,659, plus strand): 5'-GGGGATCATCCTCCTGTTCTGCGCGGTGGTGCCTGGGACGCTGCTGCTGTTCAGGGTGAG[C>A]CCCCTCGGACCTCTGAGTCAGCCGGGCGAGGGCCTGGGCCGAGGGACCCCCAATACCCAG-3'